The following is an entry in ClinVar:

NM_001134831.2(AHI1):c.553G>T (p.Asp185Tyr)

Gene: AHI1 (Abelson helper integration site 1; minus strand). Cytogenetic location: 6q23.3.
Variant type: single nucleotide variant.
Coding change: c.553G>T on transcript NM_001134831.2 (MANE Select); coding-DNA position 553, G replaced by T.
Protein change: p.Asp185Tyr; replaces aspartic acid 185 with tyrosine.
Molecular consequence: missense variant.
Genome position (GRCh38, 1-based): chr6:135,466,010, C>A on the plus strand (G>T on the coding strand, the complement: AHI1 is on the minus strand). VCF-style: chr6-135466010-C-A. GRCh37 (hg19) VCF-style: chr6-135787148-C-A.
Other names: c.553G>T, p.Asp185Tyr (NM_001134830.2, NM_001134832.2, NM_001350503.2 and 2 more transcripts); short protein forms D185Y.
Identifiers: ClinVar variation 1415005 (VCV001415005.5), dbSNP rs1032930574, ClinGen allele CA148149049.
Genomic context (GRCh38, chr6:135,466,010, plus strand): 5'-TAATCTCCTTTGCCATTTCTTCAGTTACATGGCACTGATATGCTTGCATCAATTCTTCAT[C>A]CTCTTCTAAATCAGTCTCTTCTCTTCCCTCATTTGCCTTCTCACTTTTCTGATGATCAAC-3'
Protein context (NP_001128303.1, residues 175-195): EGREETDLEE[Asp185Tyr]EELMQAYQCH

ClinVar aggregate classification (germline): Uncertain significance. Review status: criteria provided, multiple submitters, no conflicts (2 of 4 stars). 3 submissions from 3 submitters: Uncertain significance (3). Last evaluated 2025-08-05.

Conditions:
Inborn genetic diseases. Identifiers: MedGen C0950123, MeSH D030342.
Joubert syndrome 3 (JBTS3). Also called: AHI1-related Ciliopathy. Identifiers: Orphanet 220493, MedGen C1837713, MONDO:0012078, OMIM 608629.
Joubert syndrome. Also called: CEREBELLOPARENCHYMAL DISORDER IV; JOUBERT-BOLTSHAUSER SYNDROME; Familial aplasia of the vermis. Identifiers: Orphanet 475, MedGen C5979921, MONDO:0018772.

Allele frequency attached by ClinVar (database versions not stated): gnomAD exomes below 0.00001 and 0.00002; gnomAD 0.00001; TOPMed 0.00001.
gnomAD v4.1: 29 of 1,613,848 alleles (0.0018%); highest among the groups gnomAD compares: Non-Finnish European, 0.0025%; no homozygotes.

Submissions (3):

Ambry Genetics
Classification: Uncertain significance for Inborn genetic diseases. Last evaluated: 2025-08-05. Review status: criteria provided, single submitter. Criteria: Ambry Variant Classification Scheme 2023. Collection method: clinical testing. Allele origin: germline.

Labcorp Genetics (formerly Invitae), Labcorp
Classification: Uncertain significance for Joubert syndrome. Last evaluated: 2022-07-05. Review status: criteria provided, single submitter. Criteria: Invitae Variant Classification Sherloc (09022015). Collection method: clinical testing. Allele origin: germline.
Comment: This sequence change replaces aspartic acid, which is acidic and polar, with tyrosine, which is neutral and polar, at codon 185 of the AHI1 protein (p.Asp185Tyr). This variant is present in population databases (no rsID available, gnomAD 0.0009%). This variant has not been reported in the literature in individuals affected with AHI1-related conditions. ClinVar contains an entry for this variant (Variation ID: 1415005). Advanced modeling of protein sequence and biophysical properties (such as structural, functional, and spatial information, amino acid conservation, physicochemical variation, residue mobility, and thermodynamic stability) performed at Invitae indicates that this missense variant is not expected to disrupt AHI1 protein function. Algorithms developed to predict the effect of sequence changes on RNA splicing suggest that this variant may create or strengthen a splice site. In summary, the available evidence is currently insufficient to determine the role of this variant in disease. Therefore, it has been classified as a Variant of Uncertain Significance.

Fulgent Genetics
Classification: Uncertain significance for Joubert syndrome 3. Last evaluated: 2022-01-06. Review status: criteria provided, single submitter. Criteria: ACMG Guidelines, 2015. Collection method: clinical testing. Allele origin: unknown.